The following is an entry in ClinVar:

ClinVar aggregate classification (germline): Uncertain significance (1 of 4 stars; one submission).

Conditions:
Inborn genetic diseases. Identifiers: MedGen C0950123, MeSH D030342.

gnomAD v4.1: 3 of 1,614,074 alleles (0.00019%); highest among the groups gnomAD compares: Non-Finnish European, 0.00025%; no homozygotes.

Submission:

Ambry Genetics
Classification: Uncertain significance for Inborn genetic diseases. Last evaluated: 2025-05-18. Review status: criteria provided, single submitter. Criteria: Ambry Variant Classification Scheme 2023. Collection method: clinical testing. Allele origin: germline.
Comment: The p.I463V variant (also known as c.1387A>G), located in coding exon 8 of the LTBP3 gene, results from an A to G substitution at nucleotide position 1387. The isoleucine at codon 463 is replaced by valine, an amino acid with highly similar properties. This amino acid position is conserved. In addition, this alteration is predicted to be tolerated by in silico analysis. Based on the available evidence, the clinical significance of this variant remains unclear.

NM_001130144.3(LTBP3):c.1387A>G (p.Ile463Val)

Gene: LTBP3 (latent transforming growth factor beta binding protein 3; minus strand). Cytogenetic location: 11q13.1.
Variant type: single nucleotide variant.
Coding change: c.1387A>G on transcript NM_001130144.3 (MANE Select); coding-DNA position 1387, A replaced by G.
Protein change: p.Ile463Val; replaces isoleucine 463 with valine.
Molecular consequence: missense variant.
Genome position (GRCh38, 1-based): chr11:65,552,116, T>C on the plus strand (A>G on the coding strand, the complement: LTBP3 is on the minus strand). VCF-style: chr11-65552116-T-C. GRCh37 (hg19) VCF-style: chr11-65319587-T-C.
Other names: c.1036A>G, p.Ile346Val (NM_001164266.1); c.1387A>G, p.Ile463Val (NM_021070.4); short protein forms I346V, I463V.
Identifiers: ClinVar variation 4049881 (VCV004049881.1).